The following is an entry in ClinVar:

NM_016507.4(CDK12):c.1068A>C (p.Arg356Ser)

Gene: CDK12 (cyclin dependent kinase 12; plus strand). Cytogenetic location: 17q12.
Variant type: single nucleotide variant.
Coding change: c.1068A>C on transcript NM_016507.4 (MANE Select); coding-DNA position 1068, A replaced by C.
Protein change: p.Arg356Ser; replaces arginine 356 with serine.
Molecular consequence: missense variant.
Genome position (GRCh38, 1-based): chr17:39,470,900, A>C. VCF-style: chr17-39470900-A-C. GRCh37 (hg19) VCF-style: chr17-37627153-A-C.
Other names: c.1068A>C, p.Arg356Ser (NM_015083.4); short protein forms R356S.
Identifiers: ClinVar variation 5034054 (VCV005034054.1).

ClinVar aggregate classification (germline): Uncertain significance (1 of 4 stars; one submission).

Submission:

Ambry Genetics
Classification: Uncertain significance. Last evaluated: 2026-06-20. Review status: criteria provided, single submitter. Criteria: Ambry Variant Classification Scheme 2023. Collection method: clinical testing. Allele origin: germline.
Comment: The p.R356S variant (also known as c.1068A>C), located in coding exon 2 of the CDK12 gene, results from an A to C substitution at nucleotide position 1068. The arginine at codon 356 is replaced by serine, an amino acid with dissimilar properties. This amino acid position is conserved. In addition, the in silico prediction for this alteration is inconclusive. Based on the available evidence, the clinical significance of this variant remains unclear.